The following is an entry in ClinVar:

ClinVar aggregate classification (germline): Likely benign (0 of 4 stars; one submission).

Conditions:
SLC12A6-related disorder. Also called: SLC12A6-related condition.

Submission:

PreventionGenetics, part of Exact Sciences
Classification: Likely benign for SLC12A6-related condition. Last evaluated: 2020-06-25. Review status: no assertion criteria provided. Collection method: clinical testing. Allele origin: germline.
Comment: This variant is classified as likely benign based on ACMG/AMP sequence variant interpretation guidelines (Richards et al. 2015 PMID: 25741868, with internal and published modifications).

NM_001365088.1(SLC12A6):c.-10A>T

Gene: SLC12A6 (solute carrier family 12 member 6; minus strand). Cytogenetic location: 15q14.
Variant type: single nucleotide variant.
Coding change: c.-10A>T on transcript NM_001365088.1 (MANE Select); 10 bases upstream of the start codon, A replaced by T.
Molecular consequence: 5 prime UTR variant. On other transcripts: intron variant (3).
Genome position (GRCh38, 1-based): chr15:34,336,690, T>A on the plus strand (A>T on the coding strand, the complement: SLC12A6 is on the minus strand). VCF-style: chr15-34336690-T-A. GRCh37 (hg19) VCF-style: chr15-34628891-T-A.
Other names: c.-10A>T (NM_001042497.2, NM_133647.2); c.-98-89A>T (NM_001042495.2, NM_001042494.2); c.-14-23A>T (NM_001042496.2).
Identifiers: ClinVar variation 3048267 (VCV003048267.2), dbSNP rs770419375, ClinGen allele CA2575669018.